The following is an entry in ClinVar:

ClinVar aggregate classification (germline): Pathogenic (1 of 4 stars; one submission).

Submission:

Quest Diagnostics Nichols Institute San Juan Capistrano
Classification: Pathogenic. Last evaluated: 2025-01-07. Review status: criteria provided, single submitter. Criteria: ACMG/ClinGen CNV Guidelines, 2019. Collection method: clinical testing. Allele origin: unknown.
Comment: This deletion involves multiple exons (NM_014271.4; exons 3-6) of an intragenic portion of IL1RAPL1 (OMIM 300206). Deletions of IL1RAPL1 are associated with X-linked intellectual developmental disorder 21 (XLID21; ISCA-35275; OMIM 300143). Carrier females may manifest milder clinical features of the disorder. Intragenic deletions of IL1RAPL1 within the current interval have been reported in affected individuals (Behnecke 2011, Mignon-Ravix 2014, Whibley 2010). There are no similar copy number losses of this region in the general populations of the Database of Genomic Variants. Thus, based on current medical literature, this copy number variant (CNV) is classified as pathogenic. References: Behnecke et al., Am J Med Genet A. 2011 Feb;155A(2):372-9. PMID: 21271657 Mignon-Ravix et al., Am J Med Genet A. 2014 Aug;164A(8):1991-7. PMID: 24817631 Whibley et al., Am J Hum Genet. 2010 Aug 13;87(2):173-88. PMID: 20655035

GRCh37/hg19 Xp21.3-21.2(chrX:29007766-29734333)x0

Gene: IL1RAPL1 (interleukin 1 receptor accessory protein like 1; plus strand). Cytogenetic location: Xp21.3-21.2.
Variant type: copy number loss.
Change: copy number 0 of chrX:29,007,766-29,734,333 (726.6 kb, GRCh37 coordinates, 1-based), cytogenetic band Xp21.3-21.2.
Identifiers: ClinVar variation 4683024 (VCV004683024.1).